The following is an entry in ClinVar:

ClinVar aggregate classification (germline): Uncertain significance (1 of 4 stars; one submission).

Conditions:
Alstrom syndrome (ALMS). Identifiers: Orphanet 64, MedGen C0268425, MONDO:0008763, OMIM 203800.

Submission:

Labcorp Genetics (formerly Invitae), Labcorp
Classification: Uncertain significance for Alstrom syndrome. Last evaluated: 2024-01-16. Review status: criteria provided, single submitter. Criteria: Invitae Variant Classification Sherloc (09022015). Collection method: clinical testing. Allele origin: germline.
Comment: This sequence change replaces alanine, which is neutral and non-polar, with glycine, which is neutral and non-polar, at codon 1131 of the ALMS1 protein (p.Ala1131Gly). This variant is not present in population databases (gnomAD no frequency). This variant has not been reported in the literature in individuals affected with ALMS1-related conditions. Algorithms developed to predict the effect of missense changes on protein structure and function output the following: SIFT: "Not Available"; PolyPhen-2: "Not Available"; Align-GVGD: "Not Available". The glycine amino acid residue is found in multiple mammalian species, which suggests that this missense change does not adversely affect protein function. In summary, the available evidence is currently insufficient to determine the role of this variant in disease. Therefore, it has been classified as a Variant of Uncertain Significance.

NM_001378454.1(ALMS1):c.3389C>G (p.Ala1130Gly)

Gene: ALMS1 (ALMS1 centrosome and basal body associated protein; plus strand). Cytogenetic location: 2p13.1.
Variant type: single nucleotide variant.
Coding change: c.3389C>G on transcript NM_001378454.1 (MANE Select); coding-DNA position 3389, C replaced by G.
Protein change: p.Ala1130Gly; replaces alanine 1130 with glycine.
Molecular consequence: missense variant.
Genome position (GRCh38, 1-based): chr2:73,449,916, C>G. VCF-style: chr2-73449916-C-G. GRCh37 (hg19) VCF-style: chr2-73677043-C-G.
Other names: c.3392C>G, p.Ala1131Gly (NM_015120.4); short protein forms A1130G, A1131G.
Identifiers: ClinVar variation 2734224 (VCV002734224.3), dbSNP rs2466097991, ClinGen allele CA347275479.